The following is an entry in ClinVar:

NM_002206.3(ITGA7):c.2308G>A (p.Gly770Arg)

Genes: ITGA7 (integrin subunit alpha 7; minus strand), LOC126861535 (CDK7 strongly-dependent group 2 enhancer GRCh37_chr12:56087579-56088778; plus strand). Cytogenetic location: 12q13.2.
Variant type: single nucleotide variant.
Coding change: c.2308G>A on transcript NM_002206.3 (MANE Select); coding-DNA position 2308, G replaced by A.
Protein change: p.Gly770Arg; replaces glycine 770 with arginine.
Molecular consequence: missense variant.
Genome position (GRCh38, 1-based): chr12:55,694,492, C>T on the plus strand (G>A on the coding strand, the complement: ITGA7 is on the minus strand). VCF-style: chr12-55694492-C-T. GRCh37 (hg19) VCF-style: chr12-56088276-C-T.
Other names: c.2320G>A, p.Gly774Arg (NM_001144996.2); c.2029G>A, p.Gly677Arg (NM_001144997.2); c.1981G>A, p.Gly661Arg (NM_001367993.1); c.964G>A, p.Gly322Arg (NM_001367994.1); c.2290G>A, p.Gly764Arg (NM_001374465.1); c.2440G>A, p.Gly814Arg (NM_001410977.1); c.2302G>A, p.Gly768Arg (NM_001414029.1); c.2233G>A, p.Gly745Arg (NM_001414030.1); and 5 more; short protein forms G322R, G661R, G677R, G774R, G770R, G764R, G814R, G657R.
Identifiers: ClinVar variation 663963 (VCV000663963.6), dbSNP rs757534042, ClinGen allele CA6615656.

ClinVar aggregate classification (germline): Uncertain significance (1 of 4 stars; one submission).

Conditions:
Congenital muscular dystrophy due to integrin alpha-7 deficiency. Also called: MYOPATHY, CONGENITAL, DUE TO INTEGRIN ALPHA-7 DEFICIENCY; Congenital muscular dystrophy with integrin alpha-7 deficiency; Muscular dystrophy, congenital, due to ITGA7 deficiency. Identifiers: Orphanet 34520, MedGen C2750786, MONDO:0013177, OMIM 613204.

Allele frequency attached by ClinVar (database versions not stated): gnomAD below 0.00001 and 0.00001; gnomAD exomes 0.00001 and 0.00002; ExAC 0.00003.

Submission:

Labcorp Genetics (formerly Invitae), Labcorp
Classification: Uncertain significance for Congenital muscular dystrophy due to integrin alpha-7 deficiency. Last evaluated: 2022-03-18. Review status: criteria provided, single submitter. Criteria: Invitae Variant Classification Sherloc (09022015). Collection method: clinical testing. Allele origin: germline.
Comment: This sequence change replaces glycine, which is neutral and non-polar, with arginine, which is basic and polar, at codon 770 of the ITGA7 protein (p.Gly770Arg). This variant is present in population databases (rs757534042, gnomAD 0.01%). This variant has not been reported in the literature in individuals affected with ITGA7-related conditions. ClinVar contains an entry for this variant (Variation ID: 663963). Algorithms developed to predict the effect of missense changes on protein structure and function are either unavailable or do not agree on the potential impact of this missense change (SIFT: "Tolerated"; PolyPhen-2: "Probably Damaging"; Align-GVGD: "Class C0"). Algorithms developed to predict the effect of sequence changes on RNA splicing suggest that this variant may create or strengthen a splice site. In summary, the available evidence is currently insufficient to determine the role of this variant in disease. Therefore, it has been classified as a Variant of Uncertain Significance.